The following is an entry in ClinVar:

NM_001291867.2(NHS):c.4121C>G (p.Ser1374Cys)

Gene: NHS (NHS actin remodeling regulator; plus strand). Cytogenetic location: Xp22.13.
Variant type: single nucleotide variant.
Coding change: c.4121C>G on transcript NM_001291867.2 (MANE Select); coding-DNA position 4121, C replaced by G.
Protein change: p.Ser1374Cys; replaces serine 1374 with cysteine.
Molecular consequence: missense variant.
Genome position (GRCh38, 1-based): chrX:17,728,227, C>G. VCF-style: chrX-17728227-C-G. GRCh37 (hg19) VCF-style: chrX-17746347-C-G.
Other names: c.3590C>G, p.Ser1197Cys (NM_001136024.4); c.3527C>G, p.Ser1176Cys (NM_001291868.2); c.4058C>G, p.Ser1353Cys (NM_198270.4); c.4058C>G (NM_198270.2); short protein forms S1197C, S1176C, S1353C, S1374C.
Identifiers: ClinVar variation 2915984 (VCV002915984.4), dbSNP rs1056939670, ClinGen allele CA326968124.
Genomic context (GRCh38, chrX:17,728,227, plus strand): 5'-CTGGTACTATCAGCTATGAATCGGAGATAACATCTGTAAATTCATTCCCTGAAAAATGTT[C>G]CAAGCAGGAAAATATTGCTTCAGGTATTTCAGCCAAAAGTGCCTCTGATAACAGCAAAGC-3'
Protein context (NP_001278796.1, residues 1364-1384): TSVNSFPEKC[Ser1374Cys]KQENIASGIS

ClinVar aggregate classification (germline): Uncertain significance. Review status: criteria provided, multiple submitters, no conflicts (2 of 4 stars). 2 submissions from 2 submitters: Uncertain significance (2). Last evaluated 2024-09-05.

Conditions:
Inborn genetic diseases. Identifiers: MedGen C0950123, MeSH D030342.
Nance-Horan syndrome (NHS). Identifiers: Orphanet 627, MedGen C0796085, MONDO:0010545, OMIM 302350.

Allele frequency attached by ClinVar (database versions not stated): gnomAD 0.00001; TOPMed 0.00002.
gnomAD v4.1: 4 of 1,209,753 alleles (0.00033%); highest among the groups gnomAD compares: Admixed American, 0.0022%; no homozygotes.

Submissions (2):

Labcorp Genetics (formerly Invitae), Labcorp
Classification: Uncertain significance for Nance-Horan syndrome. Last evaluated: 2024-09-05. Review status: criteria provided, single submitter. Criteria: Invitae Variant Classification Sherloc (09022015). Collection method: clinical testing. Allele origin: germline.
Comment: This sequence change replaces serine, which is neutral and polar, with cysteine, which is neutral and slightly polar, at codon 1353 of the NHS protein (p.Ser1353Cys). This variant is not present in population databases (gnomAD no frequency). This variant has not been reported in the literature in individuals affected with NHS-related conditions. Invitae Evidence Modeling of protein sequence and biophysical properties (such as structural, functional, and spatial information, amino acid conservation, physicochemical variation, residue mobility, and thermodynamic stability) indicates that this missense variant is not expected to disrupt NHS protein function with a negative predictive value of 80%. In summary, the available evidence is currently insufficient to determine the role of this variant in disease. Therefore, it has been classified as a Variant of Uncertain Significance.

Ambry Genetics
Classification: Uncertain significance for Inborn genetic diseases. Last evaluated: 2023-12-30. Review status: criteria provided, single submitter. Criteria: Ambry Variant Classification Scheme 2023. Collection method: clinical testing. Allele origin: germline.